The following is an entry in ClinVar:

NM_001174150.2(ARL13B):c.1090A>G (p.Ile364Val)

Gene: ARL13B (ARF like GTPase 13B; plus strand). Cytogenetic location: 3q11.2.
Variant type: single nucleotide variant.
Coding change: c.1090A>G on transcript NM_001174150.2 (MANE Select); coding-DNA position 1090, A replaced by G.
Protein change: p.Ile364Val; replaces isoleucine 364 with valine.
Molecular consequence: missense variant. On other transcripts: non-coding transcript variant (2).
Genome position (GRCh38, 1-based): chr3:94,049,471, A>G. VCF-style: chr3-94049471-A-G. GRCh37 (hg19) VCF-style: chr3-93768315-A-G.
Other names: c.1090A>G (NM_182896.2); c.781A>G, p.Ile261Val (NM_001174151.2); c.1045A>G, p.Ile349Val (NM_001321328.2); c.769A>G, p.Ile257Val (NM_144996.4); c.1090A>G, p.Ile364Val (NM_182896.3); short protein forms I257V, I261V, I349V, I364V.
Identifiers: ClinVar variation 1060069 (VCV001060069.5), dbSNP rs200908149, ClinGen allele CA2504256.

ClinVar aggregate classification (germline): Uncertain significance. Review status: criteria provided, multiple submitters, no conflicts (2 of 4 stars). 3 submissions from 3 submitters: Uncertain significance (3). Last evaluated 2025-08-03.

Conditions:
Inborn genetic diseases. Identifiers: MedGen C0950123, MeSH D030342.
Joubert syndrome 8 (JBTS8). Identifiers: Orphanet 475, MedGen C2676771, MONDO:0012855, OMIM 612291.

Allele frequency attached by ClinVar (database versions not stated): ESP Exome Variant Server 0.00008; gnomAD 0.00010 and 0.00013; ExAC 0.00012; gnomAD exomes 0.00012 and 0.00024; TOPMed 0.00013; 1000 Genomes Project 30x 0.00031; 1000 Genomes Project 0.00040.
gnomAD v4.1: 363 of 1,612,212 alleles (0.023%); highest among the groups gnomAD compares: East Asian, 0.35%; no homozygotes.

Submissions (5):

Ambry Genetics
Classification: Uncertain significance for Inborn genetic diseases. Last evaluated: 2025-08-03. Review status: criteria provided, single submitter. Criteria: Ambry Variant Classification Scheme 2023. Collection method: clinical testing. Allele origin: germline.

Fulgent Genetics
Classification: Uncertain significance for Joubert syndrome 8. Last evaluated: 2024-06-10. Review status: criteria provided, single submitter. Criteria: ACMG Guidelines, 2015. Collection method: clinical testing. Allele origin: germline.

Labcorp Genetics (formerly Invitae), Labcorp
Classification: Uncertain significance for Joubert syndrome 8. Last evaluated: 2022-11-01. Review status: criteria provided, single submitter. Criteria: Invitae Variant Classification Sherloc (09022015). Collection method: clinical testing. Allele origin: germline.
Comment: This sequence change replaces isoleucine, which is neutral and non-polar, with valine, which is neutral and non-polar, at codon 364 of the ARL13B protein (p.Ile364Val). This variant is present in population databases (rs200908149, gnomAD 0.05%). This variant has not been reported in the literature in individuals affected with ARL13B-related conditions. ClinVar contains an entry for this variant (Variation ID: 1060069). Advanced modeling of protein sequence and biophysical properties (such as structural, functional, and spatial information, amino acid conservation, physicochemical variation, residue mobility, and thermodynamic stability) performed at Invitae indicates that this missense variant is not expected to disrupt ARL13B protein function. In summary, the available evidence is currently insufficient to determine the role of this variant in disease. Therefore, it has been classified as a Variant of Uncertain Significance.

Dr. Peter K. Rogan Lab, Western University
No classification provided (evidence only). Condition: Ovarian serous cystadenocarcinoma. Review status: no classification provided. Collection method: in vitro. Allele origin: not applicable. Functional consequence: retained intron. Not counted in ClinVar's aggregate classification.

Dr. Peter K. Rogan Lab, Western University
No classification provided (evidence only). Condition: Uterine carcinosarcoma. Review status: no classification provided. Collection method: in vitro. Allele origin: not applicable. Functional consequence: retained intron. Not counted in ClinVar's aggregate classification.